The following is an entry in ClinVar:

ClinVar aggregate classification (germline): Uncertain significance. Review status: criteria provided, multiple submitters, no conflicts (2 of 4 stars). 2 submissions from 2 submitters: Uncertain significance (2). Last evaluated 2025-03-17.

Conditions:
Alstrom syndrome (ALMS). Identifiers: Orphanet 64, MedGen C0268425, MONDO:0008763, OMIM 203800.
Cardiovascular phenotype. Identifiers: MedGen CN230736.

Allele frequency attached by ClinVar (database versions not stated): gnomAD 0.00001; gnomAD exomes 0.00001; TOPMed 0.00003.
gnomAD v4.1: 18 of 1,614,026 alleles (0.0011%); highest among the groups gnomAD compares: African/African-American, 0.0027%; no homozygotes.

Submissions (2):

Labcorp Genetics (formerly Invitae), Labcorp
Classification: Uncertain significance for Alstrom syndrome. Last evaluated: 2025-03-17. Review status: criteria provided, single submitter. Criteria: Invitae Variant Classification Sherloc (09022015). Collection method: clinical testing. Allele origin: germline.
Comment: This sequence change replaces histidine, which is basic and polar, with arginine, which is basic and polar, at codon 1590 of the ALMS1 protein (p.His1590Arg). This variant is present in population databases (no rsID available, gnomAD 0.006%). This variant has not been reported in the literature in individuals affected with ALMS1-related conditions. ClinVar contains an entry for this variant (Variation ID: 1742936). Experimental studies and prediction algorithms are not available or were not evaluated, and the functional significance of this variant is currently unknown. In summary, the available evidence is currently insufficient to determine the role of this variant in disease. Therefore, it has been classified as a Variant of Uncertain Significance.

Ambry Genetics
Classification: Uncertain significance for Cardiovascular phenotype. Last evaluated: 2020-10-09. Review status: criteria provided, single submitter. Criteria: Ambry Variant Classification Scheme 2023. Collection method: clinical testing. Allele origin: germline.
Comment: The p.H1590R variant (also known as c.4769A>G), located in coding exon 8 of the ALMS1 gene, results from an A to G substitution at nucleotide position 4769. The histidine at codon 1590 is replaced by arginine, an amino acid with highly similar properties. This amino acid position is not well conserved in available vertebrate species. In addition, this alteration is predicted to be tolerated by in silico analysis. Since supporting evidence is limited at this time, the clinical significance of this alteration remains unclear.

NM_001378454.1(ALMS1):c.4766A>G (p.His1589Arg)

Gene: ALMS1 (ALMS1 centrosome and basal body associated protein; plus strand). Cytogenetic location: 2p13.1.
Variant type: single nucleotide variant.
Coding change: c.4766A>G on transcript NM_001378454.1 (MANE Select); coding-DNA position 4766, A replaced by G.
Protein change: p.His1589Arg; replaces histidine 1589 with arginine.
Molecular consequence: missense variant.
Genome position (GRCh38, 1-based): chr2:73,451,293, A>G. VCF-style: chr2-73451293-A-G. GRCh37 (hg19) VCF-style: chr2-73678420-A-G.
Other names: c.4769A>G, p.His1590Arg (NM_015120.4); short protein forms H1589R, H1590R.
Identifiers: ClinVar variation 1742936 (VCV001742936.5), dbSNP rs1385213033, ClinGen allele CA347279221.